The following is an entry in ClinVar:

NM_015662.3(IFT172):c.610G>T (p.Ala204Ser)

Gene: IFT172 (intraflagellar transport 172; minus strand). Cytogenetic location: 2p23.3.
Variant type: single nucleotide variant.
Coding change: c.610G>T on transcript NM_015662.3 (MANE Select); coding-DNA position 610, G replaced by T.
Protein change: p.Ala204Ser; replaces alanine 204 with serine.
Molecular consequence: missense variant.
Genome position (GRCh38, 1-based): chr2:27,481,221, C>A on the plus strand (G>T on the coding strand, the complement: IFT172 is on the minus strand). VCF-style: chr2-27481221-C-A. GRCh37 (hg19) VCF-style: chr2-27704088-C-A.
Other names: short protein forms A204S.
Identifiers: ClinVar variation 1472943 (VCV001472943.6), dbSNP rs1437164423, ClinGen allele CA346399168.

ClinVar aggregate classification (germline): Uncertain significance (1 of 4 stars; one submission).

Conditions:
Short-rib thoracic dysplasia 10 with or without polydactyly (SRTD10). Identifiers: Orphanet 474, MedGen C3810175, MONDO:0014284, OMIM 615630.
Retinitis pigmentosa 71 (RP71). Identifiers: Orphanet 791, MedGen C4225342, MONDO:0014618, OMIM 616394.

Allele frequency attached by ClinVar (database versions not stated): gnomAD exomes 0.00001.
gnomAD v4.1: 2 of 1,612,542 alleles (0.00012%); highest among the groups gnomAD compares: Admixed American, 0.0033%; no homozygotes.

Submission:

Labcorp Genetics (formerly Invitae), Labcorp
Classification: Uncertain significance for Retinitis pigmentosa 71; Short-rib thoracic dysplasia 10 with or without polydactyly. Last evaluated: 2021-04-06. Review status: criteria provided, single submitter. Criteria: Invitae Variant Classification Sherloc (09022015). Collection method: clinical testing. Allele origin: germline.
Comment: In summary, the available evidence is currently insufficient to determine the role of this variant in disease. Therefore, it has been classified as a Variant of Uncertain Significance. Algorithms developed to predict the effect of missense changes on protein structure and function are either unavailable or do not agree on the potential impact of this missense change (SIFT: "Deleterious"; PolyPhen-2: "Benign"; Align-GVGD: "Class C0"). This variant has not been reported in the literature in individuals with IFT172-related conditions. This variant is not present in population databases (ExAC no frequency). This sequence change replaces alanine with serine at codon 204 of the IFT172 protein (p.Ala204Ser). The alanine residue is moderately conserved and there is a moderate physicochemical difference between alanine and serine.